The following is an entry in ClinVar:

ClinVar aggregate classification (germline): Conflicting classifications of pathogenicity. Review status: criteria provided, conflicting classifications (1 of 4 stars). 3 submissions from 3 submitters: Pathogenic (1); Likely pathogenic (1); Uncertain significance (1). Last evaluated 2025-07-11.

Conditions:
Usher syndrome type 2A. Also called: RETINAL DISEASE IN USHER SYNDROME TYPE IIA, MODIFIER OF; USHER SYNDROME, TYPE IIA. Identifiers: Orphanet 231178, Orphanet 886, MedGen C1848634, MONDO:0010169, OMIM 276901.

Submissions (3):

Women's Health and Genetics/Laboratory Corporation of America, LabCorp
Classification: Uncertain significance. Last evaluated: 2025-07-11. Review status: criteria provided, single submitter. Criteria: LabCorp Variant Classification Summary - May 2015. Collection method: clinical testing. Allele origin: germline.
Comment: Variant summary: USH2A c.6383G>A (p.Cys2128Tyr) results in a non-conservative amino acid change located in the fibronectin type III (IPR003961) of the encoded protein sequence. Algorithms developed to predict the effect of missense changes on protein structure and function are either unavailable or do not agree on the potential impact of this missense change. The variant was absent in 251040 control chromosomes. c.6383G>A has been observed in individuals affected with Usher Syndrome (e.g., McGee_2011, Bonnet_2016, Weisschuh_2020, Wang_2018, Fakin_2021, internal data). These data indicate that the variant may be associated with disease. To our knowledge, no experimental evidence demonstrating an impact on protein function has been reported. The following publications have been ascertained in the context of this evaluation (PMID: 20507924, 27460420, 32531858, 30029497, 34638692). ClinVar contains an entry for this variant (Variation ID: 2506133). Based on the evidence outlined above, the variant was classified as VUS-possibly pathogenic.

Labcorp Genetics (formerly Invitae), Labcorp
Classification: Pathogenic. Last evaluated: 2024-04-18. Review status: criteria provided, single submitter. Criteria: Invitae Variant Classification Sherloc (09022015). Collection method: clinical testing. Allele origin: germline.
Comment: This sequence change replaces cysteine, which is neutral and slightly polar, with tyrosine, which is neutral and polar, at codon 2128 of the USH2A protein (p.Cys2128Tyr). This variant is not present in population databases (gnomAD no frequency). This missense change has been observed in individual(s) with clinical features of USH2A-related conditions (PMID: 20507924, 30029497, 32531858; Invitae). ClinVar contains an entry for this variant (Variation ID: 2506133). Advanced modeling of protein sequence and biophysical properties (such as structural, functional, and spatial information, amino acid conservation, physicochemical variation, residue mobility, and thermodynamic stability) has been performed at Invitae for this missense variant, however the output from this modeling did not meet the statistical confidence thresholds required to predict the impact of this variant on USH2A protein function. This variant disrupts the p.Cys2128 amino acid residue in USH2A. Other variant(s) that disrupt this residue have been determined to be pathogenic (Invitae). This suggests that this residue is clinically significant, and that variants that disrupt this residue are likely to be disease-causing. For these reasons, this variant has been classified as Pathogenic.

Natera, Inc.
Classification: Likely pathogenic for Usher syndrome type 2A. Last evaluated: 2024-04-01. Review status: criteria provided, single submitter. Criteria: Natera Variant Classification Schema (03/2026). Collection method: clinical testing. Allele origin: germline.
Comment: The c.6383G>A variant in USH2A is a missense variant predicted to cause substitution of cysteine to tyrosine at amino acid 2128. This variant is rare in the general population with a frequency below the threshold expected for the associated phenotype(s). This variant has been observed in one or more individuals affected with the associated recessive disease, as either homozygous or compound heterozygous with a second variant (PMID: 33090715, 27460420). A different variant at the same position has been determined to be Pathogenic or Likely Pathogenic. Computational prediction algorithms indicate this variant is likely to affect gene or protein function. Given the available evidence, this variant is classified as Likely Pathogenic.

Literature cited by the submitters: PubMed 20507924 (cited by Women's Health and Genetics/Laboratory Corporation of America, LabCorp and Labcorp Genetics (formerly Invitae), Labcorp); PubMed 27460420 (cited by Women's Health and Genetics/Laboratory Corporation of America, LabCorp and Natera, Inc.); PubMed 32531858 (cited by Women's Health and Genetics/Laboratory Corporation of America, LabCorp and Labcorp Genetics (formerly Invitae), Labcorp); PubMed 30029497 (cited by Women's Health and Genetics/Laboratory Corporation of America, LabCorp and Labcorp Genetics (formerly Invitae), Labcorp); PubMed 34638692 (cited by Women's Health and Genetics/Laboratory Corporation of America, LabCorp); PubMed 33090715 (cited by Natera, Inc.).

NM_206933.4(USH2A):c.6383G>A (p.Cys2128Tyr)

Gene: USH2A (usherin; minus strand). Cytogenetic location: 1q41.
Variant type: single nucleotide variant.
Coding change: c.6383G>A on transcript NM_206933.4 (MANE Select); coding-DNA position 6383, G replaced by A.
Protein change: p.Cys2128Tyr; replaces cysteine 2128 with tyrosine.
Molecular consequence: missense variant.
Genome position (GRCh38, 1-based): chr1:216,000,505, C>T on the plus strand (G>A on the coding strand, the complement: USH2A is on the minus strand). VCF-style: chr1-216000505-C-T. GRCh37 (hg19) VCF-style: chr1-216173847-C-T.
Other names: short protein forms C2128Y.
Identifiers: ClinVar variation 2506133 (VCV002506133.5), dbSNP rs2102483271, ClinGen allele CA344861768.